The following is an entry in ClinVar:

ClinVar aggregate classification (germline): Benign/Likely benign. Review status: criteria provided, multiple submitters, no conflicts (2 of 4 stars). 11 submissions from 11 submitters: Benign (4); Likely benign (6). 1 of the submissions does not count toward it. Last evaluated 2026-07-01.

Conditions:
TSC2-related disorder. Also called: TSC2-Related Disorders; TSC2-related condition.
Hereditary cancer-predisposing syndrome. Also called: Hereditary neoplastic syndrome; Tumor predisposition; Neoplastic Syndromes, Hereditary; Hereditary Cancer Syndrome. Identifiers: Orphanet 140162, MedGen C0027672, MeSH D009386, MONDO:0015356.
Tuberous sclerosis syndrome (TSC). Also called: Tuberous Sclerosis Complex; Tuberous sclerosis. Identifiers: Orphanet 805, MedGen C0041341, MONDO:0001734.
Tuberous sclerosis 2 (TSC2). Identifiers: Orphanet 805, MedGen C1860707, MONDO:0013199, OMIM 613254.

Allele frequency attached by ClinVar (database versions not stated): ExAC 0.00002; gnomAD exomes 0.00002 and 0.00004; TOPMed 0.00002; gnomAD 0.00008 and 0.00009.
gnomAD v4.1: 50 of 1,614,060 alleles (0.0031%); highest among the groups gnomAD compares: African/African-American, 0.0093%; no homozygotes.

Submissions (11):

CeGaT Center for Human Genetics Tuebingen
Classification: Likely benign. Last evaluated: 2026-07-01. Review status: criteria provided, single submitter. Criteria: CeGaT Center For Human Genetics Tuebingen Variant Classification Criteria Version 2. Collection method: clinical testing. Allele origin: germline. Affected: yes. Observed: 2 variant alleles.
Comment: TSC2: BP4, BP7

Labcorp Genetics (formerly Invitae), Labcorp
Classification: Benign for Tuberous sclerosis 2. Last evaluated: 2025-12-22. Review status: criteria provided, single submitter. Criteria: Invitae Variant Classification Sherloc (09022015). Collection method: clinical testing. Allele origin: germline.

Myriad Genetics, Inc.
Classification: Benign for Tuberous sclerosis 2. Last evaluated: 2025-05-13. Review status: criteria provided, single submitter. Criteria: Myriad Autosomal Dominant, Autosomal Recessive and X-Linked Classification Criteria (2023). Collection method: clinical testing. Allele origin: unknown.
Comment: This variant is considered benign. This variant is a silent/synonymous amino acid change and it is not expected to impact splicing.

All of Us Research Program, National Institutes of Health
Classification: Likely benign for Tuberous sclerosis syndrome. Last evaluated: 2023-11-02. Review status: criteria provided, single submitter. Criteria: ACMG Guidelines, 2015. Collection method: clinical testing. Allele origin: germline. Inheritance: Autosomal dominant inheritance. Observed: 2 variant alleles, 2 heterozygotes.
Comment: This study involves interpretation of variants in research participants for the purpose of population health screening. Participant phenotype was not available at the time of variant classification. Additional details can be found in publication PMID: 35346344, PMCID: PMC8962531

Blueprint Genetics
Classification: Likely benign. Last evaluated: 2023-03-01. Review status: criteria provided, single submitter. Criteria: ACMG Guidelines, 2015. Collection method: clinical testing. Allele origin: germline.

Color Diagnostics, LLC DBA Color Health
Classification: Likely benign for Tuberous sclerosis syndrome. Last evaluated: 2022-09-20. Review status: criteria provided, single submitter. Criteria: ACMG Guidelines, 2015. Collection method: clinical testing. Allele origin: germline.

Genome-Nilou Lab
Classification: Benign for Tuberous sclerosis 2. Last evaluated: 2021-11-07. Review status: criteria provided, single submitter. Criteria: ACMG Guidelines, 2015. Collection method: clinical testing. Allele origin: germline. Affected: no.

Sema4
Classification: Likely benign for Hereditary cancer-predisposing syndrome. Last evaluated: 2021-07-20. Review status: criteria provided, single submitter. Criteria: Sema4 Curation Guidelines. Collection method: curation. Allele origin: germline.

GeneDx
Classification: Benign. Last evaluated: 2020-06-03. Review status: criteria provided, single submitter. Criteria: GeneDx Variant Classification Process June 2021. Collection method: clinical testing. Allele origin: germline. Affected: yes.

Ambry Genetics
Classification: Likely benign for Hereditary cancer-predisposing syndrome. Last evaluated: 2016-06-01. Review status: criteria provided, single submitter. Criteria: Ambry Variant Classification Scheme 2023. Collection method: clinical testing. Allele origin: germline.

PreventionGenetics, part of Exact Sciences
Classification: Likely benign for TSC2-related condition. Last evaluated: 2021-06-28. Review status: no assertion criteria provided. Collection method: clinical testing. Allele origin: germline. Not counted in ClinVar's aggregate classification.
Comment: This variant is classified as likely benign based on ACMG/AMP sequence variant interpretation guidelines (Richards et al. 2015 PMID: 25741868, with internal and published modifications).

NM_000548.5(TSC2):c.1203C>T (p.His401=)

Gene: TSC2 (TSC complex subunit 2; plus strand). Cytogenetic location: 16p13.3.
Variant type: single nucleotide variant.
Coding change: c.1203C>T on transcript NM_000548.5 (MANE Select); coding-DNA position 1203, C replaced by T.
Protein change: p.His401=; no amino-acid change (histidine 401 retained).
Molecular consequence: synonymous variant.
Genome position (GRCh38, 1-based): chr16:2,061,954, C>T. VCF-style: chr16-2061954-C-T. GRCh37 (hg19) VCF-style: chr16-2111955-C-T.
Other names: c.1203C>T, p.His401= (NM_001077183.3, NM_001114382.3, NM_001363528.2 and 3 more transcripts); c.1092C>T, p.His364= (NM_001318827.2); c.1056C>T, p.His352= (NM_001318829.2); c.603C>T, p.His201= (NM_001318831.2); c.1236C>T, p.His412= (NM_001318832.2); c.1203C>T (NM_000548.4).
Identifiers: ClinVar variation 486607 (VCV000486607.34), dbSNP rs199665674, ClinGen allele CA028767.